The following is an entry in ClinVar:

ClinVar aggregate classification (germline): Uncertain significance. Review status: criteria provided, multiple submitters, no conflicts (2 of 4 stars). 2 submissions from 2 submitters: Uncertain significance (2). Last evaluated 2024-05-30.

gnomAD v4.1: 3 of 1,535,968 alleles (0.0002%); highest among the groups gnomAD compares: Non-Finnish European, 0.00026%; no homozygotes.

Submissions (2):

Women's Health and Genetics/Laboratory Corporation of America, LabCorp
Classification: Uncertain significance. Last evaluated: 2024-05-30. Review status: criteria provided, single submitter. Criteria: LabCorp Variant Classification Summary - May 2015. Collection method: clinical testing. Allele origin: germline.
Comment: Variant summary: SLC26A4 c.162C>T (p.Cys54Cys) alters a conserved nucleotide located close to a canonical splice site and therefore could affect mRNA splicing, leading to a significantly altered protein sequence. Several computational tools predict a significant impact on normal splicing: Two predict the variant abolishes a 5' splicing donor site. Two predict the variant weakens a 5' donor site. At least one publication reports experimental evidence that this variant affects mRNA splicing (Badyga_2023). The variant allele was found at a frequency of 2e-06 in 1535968 control chromosomes (gnomAD v4). c.162C>T has been reported in the literature in one individual affected with enlarged vestibular aqueduct (Badyga_2023). The report does not provide unequivocal conclusions about association of the variant with Pendred Syndrome. The following publication have been ascertained in the context of this evaluation (PMID: 36833263). No submitters have cited clinical-significance assessments for this variant to ClinVar. Based on the evidence outlined above, the variant was classified as VUS-possibly pathogenic.

Blueprint Genetics
Classification: Uncertain significance. Last evaluated: 2024-02-13. Review status: criteria provided, single submitter. Criteria: ACMG Guidelines, 2015. Collection method: clinical testing. Allele origin: germline.

Literature cited by the submitters: PubMed 36833263 (cited by Women's Health and Genetics/Laboratory Corporation of America, LabCorp).

NM_000441.2(SLC26A4):c.162C>T (p.Cys54=)

Gene: SLC26A4 (solute carrier family 26 member 4; plus strand). Cytogenetic location: 7q22.3.
Variant type: single nucleotide variant.
Coding change: c.162C>T on transcript NM_000441.2 (MANE Select); coding-DNA position 162, C replaced by T.
Protein change: p.Cys54=; no amino-acid change (cysteine 54 retained).
Molecular consequence: synonymous variant.
Genome position (GRCh38, 1-based): chr7:107,661,803, C>T. VCF-style: chr7-107661803-C-T. GRCh37 (hg19) VCF-style: chr7-107302248-C-T.
Identifiers: ClinVar variation 3336483 (VCV003336483.2).
Genomic context (GRCh38, chr7:107,661,803, plus strand): 5'-ACAGCACGAGCGGCGCCTGCAGGAGCGCAAGACGCTGCGGGAGAGCCTGGCCAAGTGCTG[C>T]AGGTAGCGGCCGCGCGGGCCTGCGTAGAGAGAAGCGGAGCGGGGCGTCCACGCCTTGGGG-3'
Protein context (NP_000432.1, residues 44-64): KTLRESLAKC[Cys54=]SCSRKRAFGV